The following is an entry in ClinVar:

NM_000466.3(PEX1):c.877C>T (p.Gln293Ter)

Gene: PEX1 (peroxisomal biogenesis factor 1; minus strand). Cytogenetic location: 7q21.2.
Variant type: single nucleotide variant.
Coding change: c.877C>T on transcript NM_000466.3 (MANE Select); coding-DNA position 877, C replaced by T.
Protein change: p.Gln293Ter; replaces glutamine 293 with a stop codon.
Molecular consequence: nonsense.
Genome position (GRCh38, 1-based): chr7:92,517,638, G>A on the plus strand (C>T on the coding strand, the complement: PEX1 is on the minus strand). VCF-style: chr7-92517638-G-A. GRCh37 (hg19) VCF-style: chr7-92146952-G-A.
Other names: c.877C>T, p.Gln293Ter (NM_001282677.2); c.253C>T, p.Gln85Ter (NM_001282678.2); short protein forms Q85*, Q293*.
Identifiers: ClinVar variation 1902843 (VCV001902843.6), dbSNP rs1792857897, ClinGen allele CA368199261.
Genomic context (GRCh38, chr7:92,517,638, plus strand): 5'-GAATGGCACAGTGTTTATGAAAAACAGAGGTTGCTGACGCGTTATATATACTAGGAGGTT[G>A]AGATTTGCATACTCTGAAAATATTGTCTAGAGGAACAACCTTTGACTGCATATTTTTGAA-3'

ClinVar aggregate classification (germline): Pathogenic/Likely pathogenic. Review status: criteria provided, multiple submitters, no conflicts (2 of 4 stars). 2 submissions from 2 submitters: Pathogenic (1); Likely pathogenic (1). Last evaluated 2023-10-03.

Conditions:
Zellweger spectrum disorders (ZS). Also called: Zellweger Spectrum Disorder (ZSD); Zellweger Spectrum Disorder; Zellweger Spectrum; Zellweger syndrome. Identifiers: Orphanet 912, MedGen C0043459, MONDO:0019609.
Heimler syndrome 1 (HMLR1). Also called: PEROXISOME BIOGENESIS DISORDER 1C. Identifiers: Orphanet 3220, MedGen C4551980, OMIM 234580, MONDO:0024544.

Allele frequency attached by ClinVar (database versions not stated): TOPMed below 0.00001.

Submissions (2):

Baylor Genetics
Classification: Likely pathogenic for Heimler syndrome 1. Last evaluated: 2023-10-03. Review status: criteria provided, single submitter. Criteria: ACMG Guidelines, 2015. Collection method: clinical testing. Allele origin: unknown.

Labcorp Genetics (formerly Invitae), Labcorp
Classification: Pathogenic for Zellweger spectrum disorders. Last evaluated: 2022-10-17. Review status: criteria provided, single submitter. Criteria: Invitae Variant Classification Sherloc (09022015). Collection method: clinical testing. Allele origin: germline.
Comment: For these reasons, this variant has been classified as Pathogenic. This variant has not been reported in the literature in individuals affected with PEX1-related conditions. This variant is not present in population databases (gnomAD no frequency). This sequence change creates a premature translational stop signal (p.Gln293*) in the PEX1 gene. It is expected to result in an absent or disrupted protein product. Loss-of-function variants in PEX1 are known to be pathogenic (PMID: 9398847, 16086329, 16141001, 21031596, 26387595, 31831025).

Literature cited by the submitters: PubMed 9398847 (cited by Labcorp Genetics (formerly Invitae), Labcorp); PubMed 16086329 (cited by Labcorp Genetics (formerly Invitae), Labcorp); PubMed 16141001 (cited by Labcorp Genetics (formerly Invitae), Labcorp); PubMed 21031596 (cited by Labcorp Genetics (formerly Invitae), Labcorp); PubMed 26387595 (cited by Labcorp Genetics (formerly Invitae), Labcorp); PubMed 31831025 (cited by Labcorp Genetics (formerly Invitae), Labcorp).